The following is an entry in ClinVar:

ClinVar aggregate classification (germline): Uncertain significance (1 of 4 stars; one submission).

Submission:

Athena Diagnostics
Classification: Uncertain significance. Last evaluated: 2022-11-29. Review status: criteria provided, single submitter. Criteria: Athena Diagnostics Criteria. Collection method: clinical testing. Allele origin: unknown.
Comment: Available data are insufficient to determine the clinical significance of the variant at this time. This variant has not been reported in large, multi-ethnic general populations. Computational tools predict that this variant is damaging.

Literature cited by the submitters: PubMed 29512829.

NM_000548.5(TSC2):c.2099A>G (p.Glu700Gly)

Gene: TSC2 (TSC complex subunit 2; plus strand). Cytogenetic location: 16p13.3.
Variant type: single nucleotide variant.
Coding change: c.2099A>G on transcript NM_000548.5 (MANE Select); coding-DNA position 2099, A replaced by G.
Protein change: p.Glu700Gly; replaces glutamic acid 700 with glycine.
Molecular consequence: missense variant. On other transcripts: non-coding transcript variant (5).
Genome position (GRCh38, 1-based): chr16:2,072,242, A>G. VCF-style: chr16-2072242-A-G. GRCh37 (hg19) VCF-style: chr16-2122243-A-G.
Other names: c.2099A>G, p.Glu700Gly (NM_001077183.3, NM_001114382.3, NM_001363528.2 and 6 more transcripts); c.1988A>G, p.Glu663Gly (NM_001318827.2, NM_001406670.1, NM_001406678.1); c.1952A>G, p.Glu651Gly (NM_001318829.2, NM_001406675.1, NM_001406676.1 and 1 more transcripts); c.1499A>G, p.Glu500Gly (NM_001318831.2, NM_001406680.1, NM_001406682.1 and 6 more transcripts); c.2132A>G, p.Glu711Gly (NM_001318832.2); c.2189A>G, p.Glu730Gly (NM_001406667.1, NM_001406668.1); c.2087A>G, p.Glu696Gly (NM_001406671.1, NM_001406673.1); c.2042A>G, p.Glu681Gly (NM_001406677.1); and 3 more; short protein forms E166G, E252G, E500G, E546G, E651G, E663G, E681G, E696G.
Identifiers: ClinVar variation 2684083 (VCV002684083.1), dbSNP rs2151315397, ClinGen allele CA394274748.